The following is an entry in ClinVar:

NM_001099274.3(TINF2):c.1249A>G (p.Lys417Glu)

Gene: TINF2 (TERF1 interacting nuclear factor 2; minus strand). Cytogenetic location: 14q12.
Variant type: single nucleotide variant.
Coding change: c.1249A>G on transcript NM_001099274.3 (MANE Select); coding-DNA position 1249, A replaced by G.
Protein change: p.Lys417Glu; replaces lysine 417 with glutamic acid.
Molecular consequence: missense variant. On other transcripts: 3 prime UTR variant (1).
Genome position (GRCh38, 1-based): chr14:24,239,904, T>C on the plus strand (A>G on the coding strand, the complement: TINF2 is on the minus strand). VCF-style: chr14-24239904-T-C. GRCh37 (hg19) VCF-style: chr14-24709110-T-C.
Other names: c.1144A>G, p.Lys382Glu (NM_001363668.2); c.*511A>G (NM_012461.3); short protein forms K382E, K417E.
Identifiers: ClinVar variation 2149890 (VCV002149890.5), dbSNP rs2502448682, ClinGen allele CA389220111.

ClinVar aggregate classification (germline): Uncertain significance. Review status: criteria provided, multiple submitters, no conflicts (2 of 4 stars). 2 submissions from 2 submitters: Uncertain significance (2). Last evaluated 2022-06-04.

Conditions:
Dyskeratosis congenita. Identifiers: Orphanet 1775, MedGen C0265965, MONDO:0015780.
Dyskeratosis congenita, autosomal dominant 3. Identifiers: MedGen C3151445, MONDO:0013522, OMIM 613990.

Allele frequency attached by ClinVar (database versions not stated): gnomAD exomes below 0.00001.

Submissions (2):

Labcorp Genetics (formerly Invitae), Labcorp
Classification: Uncertain significance for Dyskeratosis congenita. Last evaluated: 2022-06-04. Review status: criteria provided, single submitter. Criteria: Invitae Variant Classification Sherloc (09022015). Collection method: clinical testing. Allele origin: germline.
Comment: In summary, the available evidence is currently insufficient to determine the role of this variant in disease. Therefore, it has been classified as a Variant of Uncertain Significance. Algorithms developed to predict the effect of missense changes on protein structure and function are either unavailable or do not agree on the potential impact of this missense change (SIFT: "Tolerated"; PolyPhen-2: "Possibly Damaging"; Align-GVGD: "Class C0"). This variant has not been reported in the literature in individuals affected with TINF2-related conditions. This variant is not present in population databases (gnomAD no frequency). This sequence change replaces lysine, which is basic and polar, with glutamic acid, which is acidic and polar, at codon 417 of the TINF2 protein (p.Lys417Glu).

Genetics and Molecular Pathology, SA Pathology
Classification: Uncertain significance for Dyskeratosis congenita, autosomal dominant 3. Last evaluated: 2022-02-10. Review status: criteria provided, single submitter. Criteria: ACMG Guidelines, 2015. Collection method: clinical testing. Allele origin: germline. Inheritance: Autosomal dominant inheritance. Affected: yes.